The following is an entry in ClinVar:

NM_001379291.1(BRD4):c.879C>A (p.Asp293Glu)

Gene: BRD4 (bromodomain containing 4; minus strand). Cytogenetic location: 19p13.12.
Variant type: single nucleotide variant.
Coding change: c.879C>A on transcript NM_001379291.1 (MANE Select); coding-DNA position 879, C replaced by A.
Protein change: p.Asp293Glu; replaces aspartic acid 293 with glutamic acid.
Molecular consequence: missense variant.
Genome position (GRCh38, 1-based): chr19:15,264,737, G>T on the plus strand (C>A on the coding strand, the complement: BRD4 is on the minus strand). VCF-style: chr19-15264737-G-T. GRCh37 (hg19) VCF-style: chr19-15375548-G-T.
Other names: c.879C>A, p.Asp293Glu (NM_001330384.2, NM_001379292.1, NM_014299.3 and 1 more transcripts); short protein forms D293E.
Identifiers: ClinVar variation 4529838 (VCV004529838.1).
Genomic context (GRCh38, chr19:15,264,737, plus strand): 5'-GGGCTCCGGGGGCAGCGAGGGTGGCTCGTGAATGGGGTCAATGGTGGTGGGGGTGGTGGT[G>T]TCTGCTTTCCTCTTCACTCCCTTCTTTGTCTGCCAAGAACACGGACGCCAACAGGCACAG-3'
Protein context (NP_001366220.1, residues 283-303): KTKKGVKRKA[Asp293Glu]TTTPTTIDPI

ClinVar aggregate classification (germline): Uncertain significance (1 of 4 stars; one submission).

Submission:

GeneDx
Classification: Uncertain significance. Last evaluated: 2025-05-13. Review status: criteria provided, single submitter. Criteria: GeneDx Variant Classification Process June 2021. Collection method: clinical testing. Allele origin: germline. Affected: yes.
Comment: Not observed at significant frequency in large population cohorts (gnomAD); In silico analysis supports that this missense variant has a deleterious effect on protein structure/function; Has not been previously published as pathogenic or benign to our knowledge